The following is an entry in ClinVar:

ClinVar aggregate classification (germline): Uncertain significance. Review status: criteria provided, multiple submitters, no conflicts (2 of 4 stars). 4 submissions from 4 submitters: Uncertain significance (4). Last evaluated 2025-04-01.

Conditions:
Inborn genetic diseases. Identifiers: MedGen C0950123, MeSH D030342.
Charcot-Marie-Tooth disease recessive intermediate C. Also called: CHARCOT-MARIE-TOOTH NEUROPATHY, RECESSIVE INTERMEDIATE C. Identifiers: Orphanet 369867, MedGen C3809309, MONDO:0014154, OMIM 615376.
Neuronopathy, distal hereditary motor, autosomal recessive 4. Also called: Autosomal recessive lower motor neuron disease with childhood onset; NEUROPATHY, DISTAL HEREDITARY MOTOR, AUTOSOMAL RECESSIVE 4. Identifiers: Orphanet 206580, MedGen C1970211, MONDO:0012608, OMIM 611067.

Allele frequency attached by ClinVar (database versions not stated): gnomAD 0.00001 and 0.00008; TOPMed 0.00001; gnomAD exomes 0.00006 and 0.00015; ExAC 0.00014; 1000 Genomes Project 30x 0.00062; 1000 Genomes Project 0.00080.
gnomAD v4.1: 106 of 1,558,752 alleles (0.0068%); highest among the groups gnomAD compares: South Asian, 0.11%; 1 homozygote.

Submissions (4):

Mayo Clinic Laboratories, Mayo Clinic
Classification: Uncertain significance. Last evaluated: 2025-04-01. Review status: criteria provided, single submitter. Criteria: ACMG Guidelines, 2015. Collection method: clinical testing. Allele origin: germline. Observed: 1 variant allele.
Comment: BP4_moderate

Labcorp Genetics (formerly Invitae), Labcorp
Classification: Uncertain significance for Neuronopathy, distal hereditary motor, autosomal recessive 4; Charcot-Marie-Tooth disease recessive intermediate C. Last evaluated: 2024-07-15. Review status: criteria provided, single submitter. Criteria: Invitae Variant Classification Sherloc (09022015). Collection method: clinical testing. Allele origin: germline.
Comment: This sequence change replaces valine, which is neutral and non-polar, with aspartic acid, which is acidic and polar, at codon 512 of the PLEKHG5 protein (p.Val512Asp). This variant is present in population databases (rs548243654, gnomAD 0.09%). This variant has not been reported in the literature in individuals affected with PLEKHG5-related conditions. ClinVar contains an entry for this variant (Variation ID: 536769). An algorithm developed to predict the effect of missense changes on protein structure and function (PolyPhen-2) suggests that this variant is likely to be tolerated. In summary, the available evidence is currently insufficient to determine the role of this variant in disease. Therefore, it has been classified as a Variant of Uncertain Significance.

Ambry Genetics
Classification: Uncertain significance for Inborn genetic diseases. Last evaluated: 2023-11-27. Review status: criteria provided, single submitter. Criteria: Ambry Variant Classification Scheme 2023. Collection method: clinical testing. Allele origin: germline.

GeneDx
Classification: Uncertain significance. Last evaluated: 2022-05-24. Review status: criteria provided, single submitter. Criteria: GeneDx Variant Classification Process June 2021. Collection method: clinical testing. Allele origin: germline. Affected: yes.
Comment: In silico analysis supports that this missense variant does not alter protein structure/function; Has not been previously published as pathogenic or benign to our knowledge

NM_020631.6(PLEKHG5):c.1535T>A (p.Val512Asp)

Gene: PLEKHG5 (pleckstrin homology and RhoGEF domain containing G5; minus strand). Cytogenetic location: 1p36.31.
Variant type: single nucleotide variant.
Coding change: c.1535T>A on transcript NM_020631.6 (MANE Select); coding-DNA position 1535, T replaced by A.
Protein change: p.Val512Asp; replaces valine 512 with aspartic acid.
Molecular consequence: missense variant.
Genome position (GRCh38, 1-based): chr1:6,470,742, A>T on the plus strand (T>A on the coding strand, the complement: PLEKHG5 is on the minus strand). VCF-style: chr1-6470742-A-T. GRCh37 (hg19) VCF-style: chr1-6530802-A-T.
Other names: p.Val512Asp; c.1646T>A, p.Val549Asp (NM_001042663.3, NM_001265592.2); c.1535T>A, p.Val512Asp (NM_001042664.2, NM_001042665.2, NM_001265594.3 and 1 more transcripts); c.1742T>A, p.Val581Asp (NM_001265593.2); c.1535T>A (NM_020631.5); short protein forms V512D, V581D, V549D.
Identifiers: ClinVar variation 536769 (VCV000536769.12), dbSNP rs548243654, ClinGen allele CA561493.